The following is an entry in ClinVar:

NM_015272.5(RPGRIP1L):c.1447_1459del (p.Val483fs)

Gene: RPGRIP1L (RPGRIP1 like; minus strand). Cytogenetic location: 16q12.2.
Variant type: Deletion.
Coding change: c.1447_1459del on transcript NM_015272.5 (MANE Select); coding-DNA positions 1447 to 1459, 13 bases deleted (GTAGATAGTGAAA).
Protein change: p.Val483fs; shifts the reading frame from valine 483.
Molecular consequence: frameshift variant.
Genome position (GRCh38, 1-based): chr16:53,657,575-53,657,587, TTTCACTATCTAC deleted on the plus strand (GTAGATAGTGAAA on the coding strand, the reverse complement: RPGRIP1L is on the minus strand); deleting any 13 consecutive bases within chr16:53,657,575-53,657,595 gives the same sequence; the c. name uses the placement nearest the transcript's 3' end. VCF-style (leftmost placement, unchanged base first): chr16-53657574-ATTTCACTATCTAC-A. GRCh37 (hg19) VCF-style: chr16-53691486-ATTTCACTATCTAC-A.
Other names: c.1447_1459del, p.Val483fs (NM_001127897.4, NM_001308334.3, NM_001330538.2); c.1447_1459delGTAGATAGTGAAA (NM_015272.4); short protein forms V483fs.
Identifiers: ClinVar variation 3354249 (VCV003354249.2).

ClinVar aggregate classification (germline): Likely pathogenic. Review status: criteria provided, single submitter (1 of 4 stars). 2 submissions from 2 submitters: Likely pathogenic (1). 1 of the submissions does not count toward it. Last evaluated 2024-06-26.

Conditions:
Joubert syndrome. Also called: JOUBERT-BOLTSHAUSER SYNDROME; Familial aplasia of the vermis. Identifiers: Orphanet 475, MedGen C5979921, MONDO:0018772.
RPGRIP1L-related disorder. Also called: RPGRIP1L-related condition; RPGRIP1L-related disorders. Identifiers: MedGen CN239416.

Submissions (2):

Natera, Inc.
Classification: Likely pathogenic for Joubert syndrome. Last evaluated: 2024-06-26. Review status: criteria provided, single submitter. Criteria: Natera Variant Classification Schema (03/2026). Collection method: clinical testing. Allele origin: germline.
Comment: The c.1447_1459delGTAGATAGTGAAA variant in RPGRIP1L is a frameshift variant predicted to shift the reading frame beginning at codon 483 and leads to a stop codon 5 codons downstream. This variant is expected to result in nonsense mediated decay, truncation, or a dysfunctional protein product. This variant is rare in the general population with a frequency below the threshold expected for the associated phenotype(s). Given the available evidence, this variant is classified as Likely Pathogenic.

PreventionGenetics, part of Exact Sciences
Classification: Likely pathogenic for RPGRIP1L-related condition. Last evaluated: 2023-12-19. Review status: no assertion criteria provided. Collection method: clinical testing. Allele origin: germline. Not counted in ClinVar's aggregate classification.
Comment: The RPGRIP1L c.1447_1459del13 variant is predicted to result in a frameshift and premature protein termination (p.Val483Leufs*5). To our knowledge, this variant has not been reported in the literature or in a large population database, indicating this variant is rare. This variant is interpreted as likely pathogenic.